The following is an entry in ClinVar:

NM_206933.4(USH2A):c.6325+4A>G

Gene: USH2A (usherin; minus strand). Cytogenetic location: 1q41.
Variant type: single nucleotide variant.
Coding change: c.6325+4A>G on transcript NM_206933.4 (MANE Select); 4 bases into the intron after coding-DNA position 6325, A replaced by G.
Molecular consequence: intron variant.
Genome position (GRCh38, 1-based): chr1:216,046,427, T>C on the plus strand (A>G on the coding strand, the complement: USH2A is on the minus strand). VCF-style: chr1-216046427-T-C. GRCh37 (hg19) VCF-style: chr1-216219769-T-C.
Identifiers: ClinVar variation 2150202 (VCV002150202.5), dbSNP rs2527720013, ClinGen allele CA2580062099.

ClinVar aggregate classification (germline): Uncertain significance. Review status: criteria provided, multiple submitters, no conflicts (2 of 4 stars). 2 submissions from 2 submitters: Uncertain significance (2). Last evaluated 2026-02-12.

Allele frequency attached by ClinVar (database versions not stated): gnomAD exomes below 0.00001.
gnomAD v4.1: 6 of 1,613,520 alleles (0.00037%); highest among the groups gnomAD compares: Middle Eastern, 0.05%; no homozygotes.

Submissions (2):

GeneDx
Classification: Uncertain significance. Last evaluated: 2026-02-12. Review status: criteria provided, single submitter. Criteria: GeneDx Variant Classification Process June 2021. Collection method: clinical testing. Allele origin: germline. Affected: yes.
Comment: Not observed at significant frequency in large population cohorts (gnomAD); Has not been previously published as pathogenic or benign to our knowledge; In silico analysis is inconclusive as to whether the variant alters gene splicing. In the absence of RNA/functional studies, the actual effect of this sequence change is unknown.

Labcorp Genetics (formerly Invitae), Labcorp
Classification: Uncertain significance. Last evaluated: 2025-03-12. Review status: criteria provided, single submitter. Criteria: Invitae Variant Classification Sherloc (09022015). Collection method: clinical testing. Allele origin: germline.
Comment: This sequence change falls in intron 32 of the USH2A gene. It does not directly change the encoded amino acid sequence of the USH2A protein. It affects a nucleotide within the consensus splice site. This variant is not present in population databases (gnomAD no frequency). This variant has not been reported in the literature in individuals affected with USH2A-related conditions. ClinVar contains an entry for this variant (Variation ID: 2150202). Variants that disrupt the consensus splice site are a relatively common cause of aberrant splicing (PMID: 17576681, 9536098). Algorithms developed to predict the effect of sequence changes on RNA splicing suggest that this variant may disrupt the consensus splice site. In summary, the available evidence is currently insufficient to determine the role of this variant in disease. Therefore, it has been classified as a Variant of Uncertain Significance.

Literature cited by the submitters: PubMed 17576681 (cited by Labcorp Genetics (formerly Invitae), Labcorp); PubMed 9536098 (cited by Labcorp Genetics (formerly Invitae), Labcorp).